The following is an entry in ClinVar:

NM_000492.4(CFTR):c.1435G>T (p.Glu479Ter)

Genes: CFTR (CF transmembrane conductance regulator; plus strand), CFTR-AS1 (CFTR antisense RNA 1; minus strand). Cytogenetic location: 7q31.2.
Variant type: single nucleotide variant.
Coding change: c.1435G>T on transcript NM_000492.4 (MANE Select); coding-DNA position 1435, G replaced by T.
Protein change: p.Glu479Ter; replaces glutamic acid 479 with a stop codon.
Molecular consequence: nonsense.
Genome position (GRCh38, 1-based): chr7:117,559,506, G>T. VCF-style: chr7-117559506-G-T. GRCh37 (hg19) VCF-style: chr7-117199560-G-T.
Other names: short protein forms E479*.
Identifiers: ClinVar variation 1772609 (VCV001772609.4), dbSNP rs397508207, ClinGen allele CA326482.
Genomic context (GRCh38, chr7:117,559,506, plus strand): 5'-GATGGGTTTTATTTCCAGACTTCACTTCTAATGGTGATTATGGGAGAACTGGAGCCTTCA[G>T]AGGGTAAAATTAAGCACAGTGGAAGAATTTCATTCTGTTCTCAGTTTTCCTGGATTATGC-3'

ClinVar aggregate classification (germline): Pathogenic. Review status: criteria provided, multiple submitters, no conflicts (2 of 4 stars). 3 submissions from 3 submitters: Pathogenic (3). Last evaluated 2025-09-08.

Conditions:
CFTR-related disorder (CFTR-RD). Also called: CFTR-related condition; CFTR-related disorders. Identifiers: MedGen C5924204, MONDO:7770004.
Cystic fibrosis (CF). Also called: MUCOVISCIDOSIS. Identifiers: Orphanet 586, MedGen C0010674, MONDO:0009061, OMIM 219700. Disease mechanism: loss of function.

Allele frequency attached by ClinVar (database versions not stated): gnomAD exomes below 0.00001.
gnomAD v4.1: 1 of 1,612,068 alleles (0.000062%); highest among the groups gnomAD compares: East Asian, 0.0022%; no homozygotes.

Submissions (3):

Women's Health and Genetics/Laboratory Corporation of America, LabCorp
Classification: Pathogenic for Cystic fibrosis. Last evaluated: 2025-09-08. Review status: criteria provided, single submitter. Criteria: LabCorp Variant Classification Summary - May 2015. Collection method: clinical testing. Allele origin: germline.
Comment: Variant summary: CFTR c.1435G>T (p.Glu479X) results in a premature termination codon, predicted to cause a truncation of the encoded protein or absence of the protein due to nonsense mediated decay, which are commonly known mechanisms for disease. The variant was absent in 251312 control chromosomes. c.1435G>T has been observed in individual(s) affected with Cystic Fibrosis (e.g. Lucarelli_2015). The following publication has been ascertained in the context of this evaluation (PMID: 25910067). ClinVar contains an entry for this variant (Variation ID: 1772609). Based on the evidence outlined above, the variant was classified as pathogenic.

Natera, Inc.
Classification: Pathogenic for CFTR-related disorders. Last evaluated: 2024-12-22. Review status: criteria provided, single submitter. Criteria: Natera Variant Classification Schema (03/2026). Collection method: clinical testing. Allele origin: germline.
Comment: The c.1435G>T variant in CFTR is a nonsense variant predicted to introduce a stop codon at amino acid 479. This variant is expected to result in nonsense mediated decay, truncation, or a dysfunctional protein product. This variant is rare in the general population with a frequency below the threshold expected for the associated phenotype(s). This variant has been observed in one or more individuals affected with the associated recessive disease, as either homozygous or compound heterozygous with a second variant (PMID: 25910067). Given the available evidence, this variant is classified as Pathogenic.

Ambry Genetics
Classification: Pathogenic for Cystic fibrosis. Last evaluated: 2015-04-16. Review status: criteria provided, single submitter. Criteria: Ambry Variant Classification Scheme 2023. Collection method: clinical testing. Allele origin: germline.
Comment: The p.E479* pathogenic mutation (also known as c.1435G>T) located in coding exon 11 of the CFTR gene, results from a G to T substitution at nucleotide position 1435. This changes the amino acid from a glutamic acid to a stop codon within coding exon 11. Since premature stop codons are typically deleterious in nature, this alteration is interpreted as a disease-causing mutation (ACMG Recommendations for Standards for Interpretation and Reporting of Sequence Variations. Revision 2007. Genet Med. 2008;10:294).

Literature cited by the submitters: PubMed 25910067 (cited by Women's Health and Genetics/Laboratory Corporation of America, LabCorp and Natera, Inc.).